The following is an entry in ClinVar:

ClinVar aggregate classification (germline): Uncertain significance. Review status: criteria provided, multiple submitters, no conflicts (2 of 4 stars). 4 submissions from 4 submitters: Uncertain significance (3). 1 of the submissions does not count toward it. Last evaluated 2024-11-15.

Conditions:
Oculotrichoanal syndrome (MOTA). Also called: MARLES SYNDROME; Manitoba Oculotrichoanal (MOTA) Syndrome. Identifiers: Orphanet 2717, MedGen C1855425, MONDO:0009560, OMIM 248450.
BNAR syndrome. Also called: Bifid Nose With or Without Anorectal and Renal Anomalies (BNAR) Syndrome. Identifiers: Orphanet 217266, MedGen C2750433, MONDO:0012165, OMIM 608980.
Trigonocephaly 2 (TRIGNO2). Identifiers: Orphanet 3366, MedGen C3280974, MONDO:0013774, OMIM 614485.
FREM1-related disorder. Also called: FREM1-Related Disorders; FREM1-related condition.

Submissions (4):

Blueprint Genetics
Classification: Uncertain significance. Last evaluated: 2024-11-15. Review status: criteria provided, single submitter. Criteria: ACMG Guidelines, 2015. Collection method: clinical testing. Allele origin: germline.

Fulgent Genetics
Classification: Uncertain significance for Oculotrichoanal syndrome; BNAR syndrome; Trigonocephaly 2. Last evaluated: 2024-01-11. Review status: criteria provided, single submitter. Criteria: ACMG Guidelines, 2015. Collection method: clinical testing. Allele origin: germline.

Labcorp Genetics (formerly Invitae), Labcorp
Classification: Uncertain significance. Last evaluated: 2022-08-03. Review status: criteria provided, single submitter. Criteria: Invitae Variant Classification Sherloc (09022015). Collection method: clinical testing. Allele origin: germline.
Comment: This variant, c.3929_3931del, results in the deletion of 1 amino acid(s) of the FREM1 protein (p.Lys1310del), but otherwise preserves the integrity of the reading frame. This variant is present in population databases (rs538512251, gnomAD 0.07%). This variant has not been reported in the literature in individuals affected with FREM1-related conditions. Experimental studies and prediction algorithms are not available or were not evaluated, and the functional significance of this variant is currently unknown. In summary, the available evidence is currently insufficient to determine the role of this variant in disease. Therefore, it has been classified as a Variant of Uncertain Significance.

PreventionGenetics, part of Exact Sciences
Classification: Uncertain significance for FREM1-related condition. Last evaluated: 2024-03-11. Review status: no assertion criteria provided. Collection method: clinical testing. Allele origin: germline. Not counted in ClinVar's aggregate classification.
Comment: The FREM1 c.3929_3931delAGA variant is predicted to result in an in-frame deletion (p.Lys1310del). This variant has been reported in a cohort study of individuals with congenital anomalies of kidney and urinary tract (Table S4 in Nicolaou et al. 2016. PubMed ID: 26489027). This variant is reported in 0.072% of alleles in individuals of European (Non-Finnish) descent in gnomAD, which is likely too common to be a primary cause of disease. Although we suspect that this variant may be benign, at this time, the clinical significance of this variant is uncertain due to the absence of conclusive functional and genetic evidence.

NM_001379081.2(FREM1):c.3926AGA[1] (p.Lys1310del)

Gene: FREM1 (FRAS1 related extracellular matrix 1; minus strand). Cytogenetic location: 9p22.3.
Variant type: Microsatellite.
Coding change: c.3926AGA[1] on transcript NM_001379081.2 (MANE Select); one copy of the 3-base unit AGA starting at c.3926; the reference has two copies in a row; one copy, 3 bases deleted.
Protein change: p.Lys1310del; deletes lysine 1310.
Molecular consequence: inframe deletion. On other transcripts: non-coding transcript variant (2).
Genome position (GRCh38, 1-based): chr9:14,792,793-14,792,795, TCT deleted on the plus strand (AGA on the coding strand, the reverse complement: FREM1 is on the minus strand); deleting any 3 consecutive bases within chr9:14,792,793-14,792,798 gives the same sequence; the position shown is the placement nearest the transcript's 3' end. VCF-style (leftmost placement, unchanged base first): chr9-14792792-ATCT-A. GRCh37 (hg19) VCF-style: chr9-14792790-ATCT-A.
Other names: c.3926AGA[1], p.Lys1310del (NM_144966.7); c.3929_3931del (NM_144966.5); c.3929_3931delAGA (NM_144966.5); short protein forms K1310del.
Identifiers: ClinVar variation 2058004 (VCV002058004.6), dbSNP rs538512251, ClinGen allele CA4990362.